The following is an entry in ClinVar:

ClinVar aggregate classification (germline): Uncertain significance. Review status: criteria provided, multiple submitters, no conflicts (2 of 4 stars). 2 submissions from 2 submitters: Uncertain significance (2). Last evaluated 2025-06-11.

Conditions:
Inborn genetic diseases. Identifiers: MedGen C0950123, MeSH D030342.

Allele frequency attached by ClinVar (database versions not stated): ExAC 0.00001; gnomAD 0.00004; TOPMed 0.00005.
gnomAD v4.1: 10 of 1,614,018 alleles (0.00062%); highest among the groups gnomAD compares: African/African-American, 0.013%; no homozygotes.

Submissions (2):

GeneDx
Classification: Uncertain significance. Last evaluated: 2025-06-11. Review status: criteria provided, single submitter. Criteria: GeneDx Variant Classification Process June 2021. Collection method: clinical testing. Allele origin: germline.
Comment: Has not been previously published as pathogenic or benign to our knowledge; In silico analysis supports that this missense variant has a deleterious effect on protein structure/function

Ambry Genetics
Classification: Uncertain significance for Inborn genetic diseases. Last evaluated: 2024-06-07. Review status: criteria provided, single submitter. Criteria: Ambry Variant Classification Scheme 2023. Collection method: clinical testing. Allele origin: germline.

NM_004035.7(ACOX1):c.130C>G (p.Pro44Ala)

Gene: ACOX1 (acyl-CoA oxidase 1; minus strand). Cytogenetic location: 17q25.1.
Variant type: single nucleotide variant.
Coding change: c.130C>G on transcript NM_004035.7 (MANE Select); coding-DNA position 130, C replaced by G.
Protein change: p.Pro44Ala; replaces proline 44 with alanine.
Molecular consequence: missense variant.
Genome position (GRCh38, 1-based): chr17:75,978,673, G>C on the plus strand (C>G on the coding strand, the complement: ACOX1 is on the minus strand). VCF-style: chr17-75978673-G-C. GRCh37 (hg19) VCF-style: chr17-73974754-G-C.
Other names: c.16C>G, p.Pro6Ala (NM_001185039.2); c.130C>G, p.Pro44Ala (NM_007292.6); short protein forms P44A, P6A.
Identifiers: ClinVar variation 2580505 (VCV002580505.3), dbSNP rs778503574, ClinGen allele CA8777117.
Genomic context (GRCh38, chr17:75,978,673, plus strand): 5'-CAGCCACCTCATAACGCTGGCTGCGAGTGAGGAAGTTCAAGTCCTCATGCTGGAAGTCTG[G>C]GTCGTTCAGGATCATGTTCTCTGAAAGGGGGTTAAAGGGCATTAAAAGGCAGACAGACAC-3'
Protein context (NP_004026.2, residues 34-54): REIENMILND[Pro44Ala]DFQHEDLNFL